The following is an entry in ClinVar:

ClinVar aggregate classification (germline): Uncertain significance (1 of 4 stars; one submission).

Conditions:
Spermatogenic failure 18. Identifiers: MedGen C4539783, MONDO:0054615, OMIM 617576.
Ciliary dyskinesia, primary, 37 (CILD37). Also called: CILIARY DYSKINESIA, PRIMARY, 37, WITH OR WITHOUT SITUS INVERSUS. Identifiers: MedGen C4539798, MONDO:0033204, OMIM 617577.

Allele frequency attached by ClinVar (database versions not stated): gnomAD exomes 0.00003; ExAC 0.00004; gnomAD 0.00006 and 0.00007; TOPMed 0.00006.
gnomAD v4.1: 79 of 1,604,898 alleles (0.0049%); highest among the groups gnomAD compares: African/African-American, 0.019%; no homozygotes.

Submission:

Labcorp Genetics (formerly Invitae), Labcorp
Classification: Uncertain significance for Ciliary dyskinesia, primary, 37; Spermatogenic failure 18. Last evaluated: 2022-11-01. Review status: criteria provided, single submitter. Criteria: Invitae Variant Classification Sherloc (09022015). Collection method: clinical testing. Allele origin: germline.
Comment: This sequence change falls in intron 12 of the DNAH1 gene. It does not directly change the encoded amino acid sequence of the DNAH1 protein. It affects a nucleotide within the consensus splice site. This variant is present in population databases (rs747761276, gnomAD 0.02%). This variant has not been reported in the literature in individuals affected with DNAH1-related conditions. ClinVar contains an entry for this variant (Variation ID: 1424390). Variants that disrupt the consensus splice site are a relatively common cause of aberrant splicing (PMID: 17576681, 9536098). Algorithms developed to predict the effect of sequence changes on RNA splicing suggest that this variant is not likely to affect RNA splicing. In summary, the available evidence is currently insufficient to determine the role of this variant in disease. Therefore, it has been classified as a Variant of Uncertain Significance.

Literature cited by the submitters: PubMed 17576681; PubMed 9536098.

NM_015512.5(DNAH1):c.2106+5G>A

Gene: DNAH1 (dynein axonemal heavy chain 1; plus strand). Cytogenetic location: 3p21.1.
Variant type: single nucleotide variant.
Coding change: c.2106+5G>A on transcript NM_015512.5 (MANE Select); 5 bases into the intron after coding-DNA position 2106, G replaced by A.
Molecular consequence: intron variant.
Genome position (GRCh38, 1-based): chr3:52,347,979, G>A. VCF-style: chr3-52347979-G-A. GRCh37 (hg19) VCF-style: chr3-52381995-G-A.
Identifiers: ClinVar variation 1424390 (VCV001424390.3), dbSNP rs747761276, ClinGen allele CA2433141.